The following is an entry in ClinVar:

NM_001035.3(RYR2):c.11099A>G (p.His3700Arg)

Gene: RYR2 (ryanodine receptor 2; plus strand). Cytogenetic location: 1q43.
Variant type: single nucleotide variant.
Coding change: c.11099A>G on transcript NM_001035.3 (MANE Select); coding-DNA position 11099, A replaced by G.
Protein change: p.His3700Arg; replaces histidine 3700 with arginine.
Molecular consequence: missense variant.
Genome position (GRCh38, 1-based): chr1:237,742,303, A>G. VCF-style: chr1-237742303-A-G. GRCh37 (hg19) VCF-style: chr1-237905603-A-G.
Other names: short protein forms H3700R.
Identifiers: ClinVar variation 2128341 (VCV002128341.4), dbSNP rs2527200739, ClinGen allele CA345421924.

ClinVar aggregate classification (germline): Uncertain significance (1 of 4 stars; one submission).

Conditions:
Catecholaminergic polymorphic ventricular tachycardia 1. Also called: VENTRICULAR TACHYCARDIA, CATECHOLAMINERGIC POLYMORPHIC, 1, WITH OR WITHOUT ATRIAL DYSFUNCTION AND/OR DILATED CARDIOMYOPATHY; VENTRICULAR TACHYCARDIA, STRESS-INDUCED POLYMORPHIC 1; RYR2-Related Catecholaminergic Polymorphic Ventricular Tachycardia. Identifiers: Orphanet 3286, MedGen C1631597, MONDO:0011484, OMIM 604772.

Allele frequency attached by ClinVar (database versions not stated): gnomAD exomes below 0.00001.
gnomAD v4.1: 1 of 1,546,974 alleles (0.000065%); highest among the groups gnomAD compares: Non-Finnish European, 0.000088%; no homozygotes.

Submission:

Labcorp Genetics (formerly Invitae), Labcorp
Classification: Uncertain significance for Catecholaminergic polymorphic ventricular tachycardia 1. Last evaluated: 2022-04-20. Review status: criteria provided, single submitter. Criteria: Invitae Variant Classification Sherloc (09022015). Collection method: clinical testing. Allele origin: germline.
Comment: In summary, the available evidence is currently insufficient to determine the role of this variant in disease. Therefore, it has been classified as a Variant of Uncertain Significance. Advanced modeling of protein sequence and biophysical properties (such as structural, functional, and spatial information, amino acid conservation, physicochemical variation, residue mobility, and thermodynamic stability) performed at Invitae indicates that this missense variant is not expected to disrupt RYR2 protein function. This variant has not been reported in the literature in individuals affected with RYR2-related conditions. This variant is not present in population databases (gnomAD no frequency). This sequence change replaces histidine, which is basic and polar, with arginine, which is basic and polar, at codon 3700 of the RYR2 protein (p.His3700Arg).